The following is an entry in ClinVar:

NM_001346249.2(RALGAPA1):c.7369-5A>G

Gene: RALGAPA1 (Ral GTPase activating protein catalytic subunit alpha 1; minus strand). Cytogenetic location: 14q13.2.
Variant type: single nucleotide variant.
Coding change: c.7369-5A>G on transcript NM_001346249.2 (MANE Select); 5 bases into the intron before coding-DNA position 7369, A replaced by G.
Molecular consequence: intron variant.
Genome position (GRCh38, 1-based): chr14:35,570,749, T>C on the plus strand (A>G on the coding strand, the complement: RALGAPA1 is on the minus strand). VCF-style: chr14-35570749-T-C. GRCh37 (hg19) VCF-style: chr14-36039955-T-C.
Other names: c.5851-5A>G (NM_194301.4, NM_001346246.2, NM_014990.3 and 1 more transcripts); c.5890-5A>G (NM_001283043.3); c.7228-5A>G (NM_001330075.3, NM_001346248.2); c.5992-5A>G (NM_001346247.2, NM_001283044.3, NM_001346245.2).
Identifiers: ClinVar variation 3151256 (VCV003151256.1), dbSNP rs928936093, ClinGen allele CA258840619.

ClinVar aggregate classification (germline): Uncertain significance (1 of 4 stars; one submission).

Conditions:
Inborn genetic diseases. Identifiers: MedGen C0950123, MeSH D030342.

gnomAD v4.1: 1 of 1,582,912 alleles (0.000063%); no homozygotes.

Submission:

Ambry Genetics
Classification: Uncertain significance for Inborn genetic diseases. Last evaluated: 2023-12-29. Review status: criteria provided, single submitter. Criteria: Ambry Variant Classification Scheme 2023. Collection method: clinical testing. Allele origin: germline.
Comment: The c.5851-5A>G intronic alteration consists of a A to G substitution 5 nucleotides before coding exon 38 in the RALGAPA1 gene. Based on insufficient or conflicting evidence, the clinical significance of this alteration remains unclear.